The following is an entry in ClinVar:

NM_001375808.2(LPIN2):c.1410C>T (p.Thr470=)

Gene: LPIN2 (lipin 2; minus strand). Cytogenetic location: 18p11.31.
Variant type: single nucleotide variant.
Coding change: c.1410C>T on transcript NM_001375808.2 (MANE Select); coding-DNA position 1410, C replaced by T.
Protein change: p.Thr470=; no amino-acid change (threonine 470 retained).
Molecular consequence: synonymous variant.
Genome position (GRCh38, 1-based): chr18:2,931,302, G>A on the plus strand (C>T on the coding strand, the complement: LPIN2 is on the minus strand). VCF-style: chr18-2931302-G-A. GRCh37 (hg19) VCF-style: chr18-2931300-G-A.
Other names: p.T470T:ACC>ACT; c.1410C>T, p.Thr470= (NM_001375809.1, NM_014646.2).
Identifiers: ClinVar variation 138130 (VCV000138130.23), dbSNP rs35932462, ClinGen allele CA291950.

ClinVar aggregate classification (germline): Benign/Likely benign. Review status: criteria provided, multiple submitters, no conflicts (2 of 4 stars). 5 submissions from 5 submitters: Benign (2); Likely benign (3). Last evaluated 2026-03-31.

Conditions:
Majeed syndrome (MJDS). Also called: CHRONIC RECURRENT MULTIFOCAL OSTEOMYELITIS 1, WITH CONGENITAL DYSERYTHROPOIETIC ANEMIA, WITH OR WITHOUT NEUTROPHILIC DERMATOSIS; LPIN2-Related Majeed Syndrome. Identifiers: Orphanet 77297, MedGen C1864997, MONDO:0012316, OMIM 609628.

Allele frequency attached by ClinVar (database versions not stated): TOPMed 0.00139; gnomAD 0.00159; 1000 Genomes Project 0.00200; ESP Exome Variant Server 0.00200; 1000 Genomes Project 30x 0.00203.
gnomAD v4.1: 407 of 1,614,192 alleles (0.025%); highest among the groups gnomAD compares: African/African-American, 0.48%; no homozygotes.

Submissions (5):

Women's Health and Genetics/Laboratory Corporation of America, LabCorp
Classification: Likely benign. Last evaluated: 2026-03-31. Review status: criteria provided, single submitter. Criteria: LabCorp Variant Classification Summary - May 2015. Collection method: clinical testing. Allele origin: germline.

Labcorp Genetics (formerly Invitae), Labcorp
Classification: Benign for Majeed syndrome. Last evaluated: 2026-01-05. Review status: criteria provided, single submitter. Criteria: Invitae Variant Classification Sherloc (09022015). Collection method: clinical testing. Allele origin: germline.

Blueprint Genetics
Classification: Likely benign. Last evaluated: 2024-11-26. Review status: criteria provided, single submitter. Criteria: ACMG Guidelines, 2015. Collection method: clinical testing. Allele origin: germline.

ARUP Laboratories, Molecular Genetics and Genomics, ARUP Laboratories
Classification: Likely benign for Majeed syndrome. Last evaluated: 2023-08-07. Review status: criteria provided, single submitter. Criteria: ARUP Molecular Germline Variant Investigation Process 2024. Collection method: clinical testing. Allele origin: germline.

GeneDx
Classification: Benign. Last evaluated: 2013-12-24. Review status: criteria provided, single submitter. Criteria: GeneDx Variant Classification (06012015). Collection method: clinical testing. Allele origin: germline. Affected: yes.
Comment: This variant is considered likely benign or benign based on one or more of the following criteria: it is a conservative change, it occurs at a poorly conserved position in the protein, it is predicted to be benign by multiple in silico algorithms, and/or has population frequency not consistent with disease.